The following is an entry in ClinVar:

NM_015213.4(DENND5A):c.2821G>A (p.Asp941Asn)

Gene: DENND5A (DENN domain containing 5A; minus strand). Cytogenetic location: 11p15.4.
Variant type: single nucleotide variant.
Coding change: c.2821G>A on transcript NM_015213.4 (MANE Select); coding-DNA position 2821, G replaced by A.
Protein change: p.Asp941Asn; replaces aspartic acid 941 with asparagine.
Molecular consequence: missense variant. On other transcripts: non-coding transcript variant (1).
Genome position (GRCh38, 1-based): chr11:9,147,066, C>T on the plus strand (G>A on the coding strand, the complement: DENND5A is on the minus strand). VCF-style: chr11-9147066-C-T. GRCh37 (hg19) VCF-style: chr11-9168613-C-T.
Other names: c.2821G>A, p.Asp941Asn (NM_001243254.2, NM_001348748.1); c.2749G>A, p.Asp917Asn (NM_001348749.2); c.2533G>A, p.Asp845Asn (NM_001348750.2); short protein forms D845N, D917N, D941N.
Identifiers: ClinVar variation 1707044 (VCV001707044.2), dbSNP rs755714912, ClinGen allele CA5877218.

ClinVar aggregate classification (germline): Uncertain significance (1 of 4 stars; one submission).

Allele frequency attached by ClinVar (database versions not stated): gnomAD exomes below 0.00001; ExAC 0.00001.
gnomAD v4.1: 4 of 1,614,106 alleles (0.00025%); highest among the groups gnomAD compares: East Asian, 0.0022%; no homozygotes.

Submission:

GeneDx
Classification: Uncertain significance. Last evaluated: 2022-03-23. Review status: criteria provided, single submitter. Criteria: GeneDx Variant Classification Process June 2021. Collection method: clinical testing. Allele origin: germline. Affected: yes.
Comment: Not observed at significant frequency in large population cohorts (gnomAD); In silico analysis supports that this missense variant has a deleterious effect on protein structure/function; Has not been previously published as pathogenic or benign to our knowledge